The following is an entry in ClinVar:

NM_001277115.2(DNAH11):c.935G>A (p.Ser312Asn)

Gene: DNAH11 (dynein axonemal heavy chain 11; plus strand). Cytogenetic location: 7p15.3.
Variant type: single nucleotide variant.
Coding change: c.935G>A on transcript NM_001277115.2 (MANE Select); coding-DNA position 935, G replaced by A.
Protein change: p.Ser312Asn; replaces serine 312 with asparagine.
Molecular consequence: missense variant.
Genome position (GRCh38, 1-based): chr7:21,561,123, G>A. VCF-style: chr7-21561123-G-A. GRCh37 (hg19) VCF-style: chr7-21600741-G-A.
Other names: short protein forms S312N.
Identifiers: ClinVar variation 4685916 (VCV004685916.1).
Genomic context (GRCh38, chr7:21,561,123, plus strand): 5'-TAACTTAGCTTCAGGCACCTGTTGTCCTCAAAATGGTTAAGATCCTGACAACTAAACAAA[G>A]CAGCTATTTTCCTACTCTGAAGGACATTTTTCTGGCTGTGGAAAATGGTAAGACTCTTGT-3'
Protein context (NP_001264044.1, residues 302-322): KMVKILTTKQ[Ser312Asn]SYFPTLKDIF

ClinVar aggregate classification (germline): Uncertain significance (1 of 4 stars; one submission).

Conditions:
Primary ciliary dyskinesia 7. Also called: CILIARY DYSKINESIA, PRIMARY, 7, WITH OR WITHOUT SITUS INVERSUS. Identifiers: Orphanet 244, MedGen C2678473, MONDO:0012748, OMIM 611884.

gnomAD v4.1: 10 of 1,605,066 alleles (0.00062%); highest among the groups gnomAD compares: Non-Finnish European, 0.00085%; no homozygotes.

Submission:

ARUP Laboratories, Molecular Genetics and Genomics, ARUP Laboratories
Classification: Uncertain significance for Primary ciliary dyskinesia 7. Last evaluated: 2025-06-25. Review status: criteria provided, single submitter. Criteria: ARUP Molecular Germline Variant Investigation Process 2024. Collection method: clinical testing. Allele origin: germline.
Comment: The DNAH11 c.935G>A; p.Ser312Asn variant (rs1783442751) is reported in the literature in one infant with heterotaxy-associated congenital heart disease (Marquez 2023). This variant is absent from the Genome Aggregation Database (v2.1.1), indicating it is not a common polymorphism. Computational analyses are uncertain whether this variant is neutral or deleterious (REVEL: 0.44). Due to limited information, the clinical significance of this variant is uncertain at this time. References: Marquez J et al. Ciliopathy gene variants and perioperative respiratory outcomes in infants with heterotaxy syndrome and congenital heart disease. Transportation Research Record. 2023;6(3):77-88.